The following is an entry in ClinVar:

ClinVar aggregate classification (germline): Uncertain significance (1 of 4 stars; one submission).

gnomAD v4.1: 1 of 1,613,080 alleles (0.000062%); highest among the groups gnomAD compares: African/African-American, 0.0013%; no homozygotes.

Submission:

Ambry Genetics
Classification: Uncertain significance. Last evaluated: 2024-05-12. Review status: criteria provided, single submitter. Criteria: Ambry Variant Classification Scheme 2023. Collection method: clinical testing. Allele origin: germline.
Comment: The p.S1113P variant (also known as c.3337T>C), located in coding exon 16 of the POLQ gene, results from a T to C substitution at nucleotide position 3337. The serine at codon 1113 is replaced by proline, an amino acid with similar properties. This amino acid position is conserved. In addition, this alteration is predicted to be tolerated by in silico analysis. Based on the available evidence, the clinical significance of this variant remains unclear.

NM_199420.4(POLQ):c.3337T>C (p.Ser1113Pro)

Gene: POLQ (DNA polymerase theta; minus strand). Cytogenetic location: 3q13.33.
Variant type: single nucleotide variant.
Coding change: c.3337T>C on transcript NM_199420.4 (MANE Select); coding-DNA position 3337, T replaced by C.
Protein change: p.Ser1113Pro; replaces serine 1113 with proline.
Molecular consequence: missense variant.
Genome position (GRCh38, 1-based): chr3:121,489,594, A>G on the plus strand (T>C on the coding strand, the complement: POLQ is on the minus strand). VCF-style: chr3-121489594-A-G. GRCh37 (hg19) VCF-style: chr3-121208441-A-G.
Other names: short protein forms S1113P.
Identifiers: ClinVar variation 3308682 (VCV003308682.1).